The following is an entry in ClinVar:

NM_000059.4:c.(6841+1_6842-1)_(7805+1_7806-1)del

Gene: BRCA2 (BRCA2 DNA repair associated; plus strand).
Variant type: Deletion.
Other names: c.(6841+1_6842-1)_(7805+1_7806-1)del (NM_000059.4).
Identifiers: ClinVar variation 3236914 (VCV003236914.1).

ClinVar aggregate classification (germline): Pathogenic (1 of 4 stars; one submission).

Conditions:
Breast-ovarian cancer, familial, susceptibility to, 2 (BROVCA2). Also called: BRCA2 Hereditary Breast and Ovarian Cancer. Identifiers: Orphanet 145, MedGen C2675520, MONDO:0012933, OMIM 612555. Disease mechanism: loss of function.

Submission:

Department of Clinical Genetics, Copenhagen University Hospital, Rigshospitalet
Classification: Pathogenic for Breast-ovarian cancer, familial, susceptibility to, 2. Last evaluated: 2024-05-27. Review status: criteria provided, single submitter. Criteria: ACMG Guidelines, 2015. Collection method: clinical testing. Allele origin: germline. Affected: yes.
Comment: PVS1; PM2_Supporting, PP1